The following is an entry in ClinVar:

NM_001267550.2(TTN):c.88895-5_88895-2del

Genes: TTN (titin; minus strand), TTN-AS1 (TTN antisense RNA 1; plus strand). Cytogenetic location: 2q31.2.
Variant type: Deletion.
Coding change: c.88895-5_88895-2del on transcript NM_001267550.2 (MANE Select); 5 bases into the intron before coding-DNA position 88895 through the canonical splice acceptor site of the intron before coding-DNA position 88895, 4 bases deleted (AATA; older notation c.88895-5_88895-2delAATA).
Molecular consequence: splice acceptor variant.
Genome position (GRCh38, 1-based): chr2:178,554,218-178,554,221, TATT deleted on the plus strand (AATA on the coding strand, the reverse complement: TTN is on the minus strand); deleting any 4 consecutive bases within chr2:178,554,218-178,554,223 gives the same sequence; the c. name uses the placement nearest the transcript's 3' end. VCF-style (leftmost placement, unchanged base first): chr2-178554217-CTATT-C. GRCh37 (hg19) VCF-style: chr2-179418944-CTATT-C.
Other names: c.61700-5_61700-2del (NM_003319.4); c.62276-5_62276-2del (NM_133437.4); c.62075-5_62075-2del (NM_133432.3); c.81191-5_81191-2del (NM_133378.4); c.83972-5_83972-2del (NM_001256850.1).
Identifiers: ClinVar variation 4975196 (VCV004975196.1).
Genomic context (GRCh38, chr2:178,554,217, plus strand): 5'-CAGTCATCGAATTCTTGGTAATCTTTGTCACTTCTGGTATGCCTGGTGGCCCAGGTGTAA[CTATT>C]TAGAAAGGAAGGGAAAACAAGGTACAAGAATCCACATTACTGATAAATTATACCTTTGAT-3'

ClinVar aggregate classification (germline): Likely pathogenic (1 of 4 stars; one submission).

Submission:

GeneDx
Classification: Likely pathogenic. Last evaluated: 2026-02-17. Review status: criteria provided, single submitter. Criteria: GeneDx Variant Classification Process June 2021. Collection method: clinical testing. Allele origin: germline.
Comment: Reported as a secondary finding in a large cohort of pediatric patients (PMID: 39096151); Canonical splice site variant predicted to result in an in-frame loss of the adjacent exon in a gene for which loss of function is a known mechanism of disease; Located in the A-band, a region of TTN for which truncating variants are significantly associated with autosomal dominant cardiomyopathy and also with autosomal recessive skeletal myopathies (PMID: 22335739, 32778822); Not observed at significant frequency in large population cohorts (gnomAD); This variant is associated with the following publications: (PMID: 22335739, 32778822, 39096151)